The following is an entry in ClinVar:

ClinVar aggregate classification (germline): Pathogenic (1 of 4 stars; one submission).

Conditions:
Glycogen storage disease IXc (GSD9C). Also called: GSD IXc. Identifiers: Orphanet 264580, MedGen C2751643, MONDO:0013091, OMIM 613027.

Submission:

Labcorp Genetics (formerly Invitae), Labcorp
Classification: Pathogenic for Glycogen storage disease IXc. Last evaluated: 2023-07-19. Review status: criteria provided, single submitter. Criteria: Invitae Variant Classification Sherloc (09022015). Collection method: clinical testing. Allele origin: germline.
Comment: This sequence change creates a premature translational stop signal (p.Tyr24*) in the PHKG2 gene. It is expected to result in an absent or disrupted protein product. Loss-of-function variants in PHKG2 are known to be pathogenic (PMID: 8896567, 17689125, 21646031). This variant is not present in population databases (gnomAD no frequency). This variant has not been reported in the literature in individuals affected with PHKG2-related conditions. For these reasons, this variant has been classified as Pathogenic.

Literature cited by the submitters: PubMed 8896567; PubMed 17689125; PubMed 21646031.

NM_000294.3(PHKG2):c.72C>A (p.Tyr24Ter)

Gene: PHKG2 (phosphorylase kinase catalytic subunit gamma 2; plus strand). Cytogenetic location: 16p11.2.
Variant type: single nucleotide variant.
Coding change: c.72C>A on transcript NM_000294.3 (MANE Select); coding-DNA position 72, C replaced by A.
Protein change: p.Tyr24Ter; replaces tyrosine 24 with a stop codon.
Molecular consequence: nonsense.
Genome position (GRCh38, 1-based): chr16:30,748,892, C>A. VCF-style: chr16-30748892-C-A. GRCh37 (hg19) VCF-style: chr16-30760213-C-A.
Other names: c.72C>A, p.Tyr24Ter (NM_001172432.2); short protein forms Y24*.
Identifiers: ClinVar variation 2862845 (VCV002862845.3), dbSNP rs2543449200, ClinGen allele CA395651144.